The following is an entry in ClinVar:

NM_000548.5(TSC2):c.1800C>A (p.His600Gln)

Gene: TSC2 (TSC complex subunit 2; plus strand). Cytogenetic location: 16p13.3.
Variant type: single nucleotide variant.
Coding change: c.1800C>A on transcript NM_000548.5 (MANE Select); coding-DNA position 1800, C replaced by A.
Protein change: p.His600Gln; replaces histidine 600 with glutamine.
Molecular consequence: missense variant.
Genome position (GRCh38, 1-based): chr16:2,070,539, C>A. VCF-style: chr16-2070539-C-A. GRCh37 (hg19) VCF-style: chr16-2120540-C-A.
Other names: c.1800C>A, p.His600Gln (NM_001370404.1, NM_001370405.1, NM_021055.3 and 3 more transcripts); c.1689C>A, p.His563Gln (NM_001318827.2); c.1653C>A, p.His551Gln (NM_001318829.2); c.1200C>A, p.His400Gln (NM_001318831.2); c.1833C>A, p.His611Gln (NM_001318832.2); short protein forms H400Q, H551Q, H563Q, H600Q, H611Q.
Identifiers: ClinVar variation 1053151 (VCV001053151.9), dbSNP rs762782913, ClinGen allele CA394272945.
Genomic context (GRCh38, chr16:2,070,539, plus strand): 5'-AAGCCACGCCACGCGTGTGTATGAGATGCTGGTCAGCCACATTCAGCTCCACTACAAGCA[C>A]AGCTACACCCTGCCAATCGCGAGCAGCATCCGGCTGCAGGTATGGTGGCTGGGGTTGCGC-3'
Protein context (NP_000539.2, residues 590-610): LVSHIQLHYK[His600Gln]SYTLPIASSI

ClinVar aggregate classification (germline): Uncertain significance (1 of 4 stars; one submission).

Conditions:
Tuberous sclerosis 2 (TSC2). Identifiers: Orphanet 805, MedGen C1860707, MONDO:0013199, OMIM 613254.

Submission:

Labcorp Genetics (formerly Invitae), Labcorp
Classification: Uncertain significance for Tuberous sclerosis 2. Last evaluated: 2023-10-13. Review status: criteria provided, single submitter. Criteria: Invitae Variant Classification Sherloc (09022015). Collection method: clinical testing. Allele origin: germline.
Comment: This sequence change replaces histidine, which is basic and polar, with glutamine, which is neutral and polar, at codon 600 of the TSC2 protein (p.His600Gln). This variant is not present in population databases (gnomAD no frequency). This variant has not been reported in the literature in individuals affected with TSC2-related conditions. ClinVar contains an entry for this variant (Variation ID: 1053151). Advanced modeling of protein sequence and biophysical properties (such as structural, functional, and spatial information, amino acid conservation, physicochemical variation, residue mobility, and thermodynamic stability) performed at Invitae indicates that this missense variant is not expected to disrupt TSC2 protein function. In summary, the available evidence is currently insufficient to determine the role of this variant in disease. Therefore, it has been classified as a Variant of Uncertain Significance.